The following is an entry in ClinVar:

ClinVar aggregate classification (germline): Likely benign. Review status: criteria provided, single submitter (1 of 4 stars). 2 submissions from 2 submitters: Likely benign (1). 1 of the submissions does not count toward it. Last evaluated 2024-10-08.

Conditions:
BRAT1-related disorder. Also called: BRAT1-related disorders; BRAT1-related condition.

Allele frequency attached by ClinVar (database versions not stated): gnomAD exomes 0.00008; 1000 Genomes Project 0.00020; 1000 Genomes Project 30x 0.00031.
gnomAD v4.1: 134 of 1,475,834 alleles (0.0091%); highest among the groups gnomAD compares: South Asian, 0.11%; 1 homozygote.

Submissions (2):

Blueprint Genetics
Classification: Likely benign. Last evaluated: 2024-10-08. Review status: criteria provided, single submitter. Criteria: ACMG Guidelines, 2015. Collection method: clinical testing. Allele origin: germline.

PreventionGenetics, part of Exact Sciences
Classification: Likely benign for BRAT1-related condition. Last evaluated: 2021-08-13. Review status: no assertion criteria provided. Collection method: clinical testing. Allele origin: germline. Not counted in ClinVar's aggregate classification.
Comment: This variant is classified as likely benign based on ACMG/AMP sequence variant interpretation guidelines (Richards et al. 2015 PMID: 25741868, with internal and published modifications).

NM_152743.4(BRAT1):c.1771-142C>T

Gene: BRAT1 (BRCA1 associated ATM activator 1; minus strand). Cytogenetic location: 7p22.3.
Variant type: single nucleotide variant.
Coding change: c.1771-142C>T on transcript NM_152743.4 (MANE Select); 142 bases into the intron before coding-DNA position 1771, C replaced by T.
Molecular consequence: intron variant. On other transcripts: synonymous variant (1).
Genome position (GRCh38, 1-based): chr7:2,538,906, G>A on the plus strand (C>T on the coding strand, the complement: BRAT1 is on the minus strand). VCF-style: chr7-2538906-G-A. GRCh37 (hg19) VCF-style: chr7-2578540-G-A.
Other names: c.1809C>T, p.Cys603= (NM_001350626.2); c.1246-142C>T (NM_001350627.2).
Identifiers: ClinVar variation 3032098 (VCV003032098.3), dbSNP rs527806725, ClinGen allele CA152665354.